The following is an entry in ClinVar:

NM_001329943.3(KIAA0586):c.1872del (p.Glu625fs)

Gene: KIAA0586 (KIAA0586; plus strand). Cytogenetic location: 14q23.1.
Variant type: Deletion.
Coding change: c.1872del on transcript NM_001329943.3 (MANE Select); coding-DNA position 1872, one base deleted (A; older notation c.1872delA).
Protein change: p.Glu625fs; shifts the reading frame from glutamic acid 625.
Molecular consequence: frameshift variant. On other transcripts: intron variant (1).
Genome position (GRCh38, 1-based): chr14:58,460,058, A deleted; the last of 3 consecutive A bases (chr14:58,460,056-58,460,058); deleting any one gives the same sequence. VCF-style (leftmost placement, unchanged base first): chr14-58460055-GA-G. GRCh37 (hg19) VCF-style: chr14-58926773-GA-G.
Other names: c.1617del, p.Glu540fs (NM_001364700.1, NM_001364701.2, NM_001244191.2 and 1 more transcripts); c.1657-928del (NM_014749.5); c.2031del, p.Glu678fs (NM_001244189.2); c.1827del, p.Glu610fs (NM_001244190.2); c.1740del, p.Glu581fs (NM_001244192.2); c.1452del, p.Glu485fs (NM_001244193.2); c.1872del, p.Glu625fs (NM_001329944.2, NM_001329946.2, NM_001329947.2); short protein forms E581fs, E625fs, E678fs, E540fs, E485fs, E610fs.
Identifiers: ClinVar variation 1435532 (VCV001435532.6), dbSNP rs2140875258, ClinGen allele CA2573150064.
Genomic context (GRCh38, chr14:58,460,055, plus strand): 5'-GCAAATAGAAGAGCATTTTAGAAATCTACCTATGAGGGGCATGCCTGCTTCAAGTTTACA[GA>G]AAGAGAGAAAGGAAGTAAGATCCTAATCTGTTCTTTTAACATAATTGTTGTGTTATAATT-3'

ClinVar aggregate classification (germline): Pathogenic (1 of 4 stars; one submission).

Conditions:
Joubert syndrome 23 (JBTS23). Identifiers: Orphanet 475, MedGen C4084822, MONDO:0014664, OMIM 616490.
Short-rib thoracic dysplasia 14 with polydactyly (SRTD14). Identifiers: Orphanet 397715, MedGen C4225286, MONDO:0014688, OMIM 616546.

Submission:

Labcorp Genetics (formerly Invitae), Labcorp
Classification: Pathogenic for Joubert syndrome 23; Short-rib thoracic dysplasia 14 with polydactyly. Last evaluated: 2020-11-18. Review status: criteria provided, single submitter. Criteria: Invitae Variant Classification Sherloc (09022015). Collection method: clinical testing. Allele origin: germline.
Comment: The frequency data for this variant in the population databases is considered unreliable, as metrics indicate insufficient coverage at this position in the ExAC database. This sequence change creates a premature translational stop signal (p.Glu678Argfs*7) in the KIAA0586 gene. It is expected to result in an absent or disrupted protein product. Loss-of-function variants in KIAA0586 are known to be pathogenic (PMID: 26096313, 26166481, 26386044). This variant has not been reported in the literature in individuals with KIAA0586-related conditions. For these reasons, this variant has been classified as Pathogenic.

Literature cited by the submitters: PubMed 26096313; PubMed 26166481; PubMed 26386044.